The following is an entry in ClinVar:

ClinVar aggregate classification (germline): Uncertain significance (1 of 4 stars; one submission).

Allele frequency attached by ClinVar (database versions not stated): ExAC 0.00002; gnomAD exomes below 0.00001 and 0.00002; TOPMed 0.00001.
gnomAD v4.1: 12 of 1,611,362 alleles (0.00074%); highest among the groups gnomAD compares: East Asian, 0.0022%; no homozygotes.

Submission:

Labcorp Genetics (formerly Invitae), Labcorp
Classification: Uncertain significance. Last evaluated: 2025-12-25. Review status: criteria provided, single submitter. Criteria: Invitae Variant Classification Sherloc (09022015). Collection method: clinical testing. Allele origin: germline.
Comment: This sequence change replaces serine, which is neutral and polar, with phenylalanine, which is neutral and non-polar, at codon 328 of the SEC61A1 protein (p.Ser328Phe). This variant is present in population databases (rs758907046, gnomAD 0.01%). This variant has not been reported in the literature in individuals affected with SEC61A1-related conditions. ClinVar contains an entry for this variant (Variation ID: 1025938). Invitae Evidence Modeling of protein sequence and biophysical properties (such as structural, functional, and spatial information, amino acid conservation, physicochemical variation, residue mobility, and thermodynamic stability) indicates that this missense variant is not expected to disrupt SEC61A1 protein function with a negative predictive value of 80%. In summary, the available evidence is currently insufficient to determine the role of this variant in disease. Therefore, it has been classified as a Variant of Uncertain Significance.

NM_013336.4(SEC61A1):c.983C>T (p.Ser328Phe)

Genes: RUVBL1 (RuvB like AAA ATPase 1; minus strand), SEC61A1 (SEC61 translocon subunit alpha 1; plus strand). Cytogenetic location: 3q21.3.
Variant type: single nucleotide variant.
Coding change: c.983C>T on transcript NM_013336.4 (MANE Select); coding-DNA position 983, C replaced by T.
Protein change: p.Ser328Phe; replaces serine 328 with phenylalanine.
Molecular consequence: missense variant. On other transcripts: intron variant (1).
Genome position (GRCh38, 1-based): chr3:128,067,428, C>T. VCF-style: chr3-128067428-C-T. GRCh37 (hg19) VCF-style: chr3-127786271-C-T.
Other names: c.1001C>T, p.Ser334Phe (NM_001400328.1); c.824C>T, p.Ser275Phe (NM_001400329.1); c.940-2208G>A (NM_001319086.1); short protein forms S328F, S275F, S334F.
Identifiers: ClinVar variation 1025938 (VCV001025938.9), dbSNP rs758907046, ClinGen allele CA2598552.